The following is an entry in ClinVar:

ClinVar aggregate classification (germline): Conflicting classifications of pathogenicity. Review status: criteria provided, conflicting classifications (1 of 4 stars). 2 submissions from 2 submitters: Uncertain significance (1); Likely benign (1). Last evaluated 2026-08-10.

Conditions:
Creatine transporter deficiency (CCDS1). Also called: Creatine Transporter (CRTR) Deficiency; Mental retardation , X-linked with seizures, short stature and midface hypoplasia; Mental retardation , X-linked, with creatine transport deficiency; X-linked creatine transporter deficiency; X-linked creatine deficiency syndrome; SLC6A8-Related Creatine Transporter Deficiency. Identifiers: Orphanet 52503, MedGen C1845862, MONDO:0010305, OMIM 300352.

Allele frequency attached by ClinVar (database versions not stated): gnomAD exomes 0.00001 and 0.00003; ExAC 0.00005; TOPMed 0.00005.

Submissions (2):

Myriad Genetics, Inc.
Classification: Uncertain significance for Creatine transporter deficiency. Last evaluated: 2026-08-10. Review status: criteria provided, single submitter. Criteria: Myriad Autosomal Dominant, Autosomal Recessive and X-Linked Classification Criteria (2023). Collection method: clinical testing. Allele origin: unknown.
Comment: NM_005629.3(SLC6A8):c.409T>G(S137A) is a missense variant classified as a variant of uncertain significance in the context of creatine transporter deficiency. S137A has not been observed in cases with relevant disease. Relevant functional assessments of this variant are not available in the literature. S137A has been observed in referenced population frequency databases. In summary, there is insufficient evidence to classify NM_005629.3(SLC6A8):c.409T>G(S137A) as pathogenic or benign. Please note: this variant was assessed in the context of healthy population screening.

Labcorp Genetics (formerly Invitae), Labcorp
Classification: Likely benign for Creatine transporter deficiency. Last evaluated: 2024-03-20. Review status: criteria provided, single submitter. Criteria: Invitae Variant Classification Sherloc (09022015). Collection method: clinical testing. Allele origin: germline.

NM_005629.4(SLC6A8):c.409T>G (p.Ser137Ala)

Gene: SLC6A8 (solute carrier family 6 member 8; plus strand). Cytogenetic location: Xq28.
Variant type: single nucleotide variant.
Coding change: c.409T>G on transcript NM_005629.4 (MANE Select); coding-DNA position 409, T replaced by G.
Protein change: p.Ser137Ala; replaces serine 137 with alanine.
Molecular consequence: missense variant.
Genome position (GRCh38, 1-based): chrX:153,691,318, T>G. VCF-style: chrX-153691318-T-G. GRCh37 (hg19) VCF-style: chrX-152956773-T-G.
Other names: c.409T>G, p.Ser137Ala (NM_001142805.2); c.64T>G, p.Ser22Ala (NM_001142806.1); short protein forms S137A, S22A.
Identifiers: ClinVar variation 1118400 (VCV001118400.10), dbSNP rs782360920, ClinGen allele CA10549197.